The following is an entry in ClinVar:

ClinVar aggregate classification (germline): Conflicting classifications of pathogenicity. Review status: criteria provided, conflicting classifications (1 of 4 stars). 13 submissions from 13 submitters: Uncertain significance (8); Benign (1); Likely benign (2). 2 of the submissions do not count toward it. Last evaluated 2026-04-03.

Conditions:
Multiple endocrine neoplasia type 2A. Also called: MULTIPLE ENDOCRINE NEOPLASIA, TYPE IIA; PTC SYNDROME; SIPPLE SYNDROME; MEN 2A; MEN-2A syndrome; Pheochromocytoma and amyloid producing medullary thyroid carcinoma. Identifiers: Orphanet 247698, Orphanet 653, MedGen C0025268, MeSH D018813, MONDO:0008234, OMIM 171400.
Pheochromocytoma. Also called: MAX-Related Hereditary Paraganglioma-Pheochromocytoma Syndrome. Identifiers: Orphanet 29072, MedGen C0031511, MONDO:0008233, OMIM 171300, HP:0002666.
Familial medullary thyroid carcinoma (MTC). Also called: Thyroid cancer, familial medullary; MTC, familial; Familial Medullary Thyroid Carcinoma (FMTC). Identifiers: Orphanet 653, Orphanet 99361, MedGen C1833921, MONDO:0007958, OMIM 155240.
Multiple endocrine neoplasia type 2B. Also called: MEN 2B; Multiple endocrine neoplasia, type 3; MULTIPLE ENDOCRINE NEOPLASIA, TYPE IIB; MUCOSAL NEUROMA SYNDROME; NEUROMATA, MUCOSAL, WITH ENDOCRINE TUMORS; WAGENMANN-FROBOESE SYNDROME. Identifiers: Orphanet 247709, Orphanet 653, MedGen C0025269, MeSH D018814, MONDO:0008082, OMIM 162300.
Hirschsprung disease, susceptibility to, 1 (HSCR1). Also called: RET-Related Hirschsprung Disease. Identifiers: Orphanet 388, MedGen C3888239, MONDO:0007723, OMIM 142623.
RET-related disorder. Also called: RET-related condition; RET-related disease; RET-related disorders.
Hereditary cancer-predisposing syndrome. Also called: Neoplastic Syndromes, Hereditary; Tumor predisposition; Hereditary neoplastic syndrome; Hereditary Cancer Syndrome. Identifiers: Orphanet 140162, MedGen C0027672, MeSH D009386, MONDO:0015356.
Aganglionic megacolon (HSCR). Also called: Hirschsprung's disease; Hirschsprung disease. Identifiers: Orphanet 388, MedGen C0019569, MeSH D006627, MONDO:0018309, HP:0002251.
Multiple endocrine neoplasia, type 2 (MEN2). Identifiers: Orphanet 653, MedGen C4048306, MONDO:0019003. Disease mechanism: gain of function.

Allele frequency attached by ClinVar (database versions not stated): gnomAD 0.00013 and 0.00015; TOPMed 0.00018; ExAC 0.00008; gnomAD exomes 0.00006; ESP Exome Variant Server 0.00038.
gnomAD v4.1: 51 of 1,613,220 alleles (0.0032%); highest among the groups gnomAD compares: African/African-American, 0.051%; no homozygotes.

Submissions (13):

PreventionGenetics, part of Exact Sciences
Classification: Uncertain significance for RET-related condition. Last evaluated: 2026-04-03. Review status: criteria provided, single submitter. Criteria: ACMG Guidelines, 2015. Collection method: clinical testing. Allele origin: germline.
Comment: The RET c.2522C>T variant is predicted to result in the amino acid substitution p.Pro841Leu. This variant was reported in an individual with Hirschsprung disease, an individual with congenital central hypoventilation syndrome, and in individuals with pheochromocytoma or MEN2 (Carter et al. 2012. PubMed ID: 22648184; Fitze et al 2003. PubMed ID: 12566528; Kim et al. 2013. PubMed ID: 24134185; Lang et al. 2015. PubMed ID: 26071011). This variant is reported in 0.060% of alleles in individuals of African descent in gnomAD and is interpreted as uncertain and likely benign in ClinVar (Variation ID: 24947). At this time, the clinical significance of this variant is uncertain due to the absence of conclusive functional and genetic evidence.

Labcorp Genetics (formerly Invitae), Labcorp
Classification: Uncertain significance for Multiple endocrine neoplasia, type 2. Last evaluated: 2026-01-18. Review status: criteria provided, single submitter. Criteria: Invitae Variant Classification Sherloc (09022015). Collection method: clinical testing. Allele origin: germline.
Comment: This sequence change replaces proline, which is neutral and non-polar, with leucine, which is neutral and non-polar, at codon 841 of the RET protein (p.Pro841Leu). This variant is present in population databases (rs149891333, gnomAD 0.06%), and has an allele count higher than expected for a pathogenic variant. This missense change has been observed in individual(s) with clinical features of multiple endocrine neoplasia type 2 or Hirschsprung's disease (PMID: 22648184, 24134185, 26071011). ClinVar contains an entry for this variant (Variation ID: 24947). An algorithm developed to predict the effect of missense changes on protein structure and function (PolyPhen-2) suggests that this variant is likely to be tolerated. In summary, the available evidence is currently insufficient to determine the role of this variant in disease. Therefore, it has been classified as a Variant of Uncertain Significance.

GeneDx
Classification: Uncertain significance. Last evaluated: 2024-11-12. Review status: criteria provided, single submitter. Criteria: GeneDx Variant Classification Process June 2021. Collection method: clinical testing. Allele origin: germline.
Comment: In silico analysis supports that this missense variant has a deleterious effect on protein structure/function; This variant is associated with the following publications: (PMID: 25637381, 24055113, 33219105, 22837065, 21479187, 24134185, 20456320, 26071011, 22648184, 12566528, 30476936, 36251279, 36315513, 29338689, 36936415, Decker and Peacock_1996)

Blueprint Genetics
Classification: Uncertain significance. Last evaluated: 2024-09-23. Review status: criteria provided, single submitter. Criteria: ACMG Guidelines, 2015. Collection method: clinical testing. Allele origin: germline.

Myriad Genetics, Inc.
Classification: Likely benign for Multiple endocrine neoplasia type 2A. Last evaluated: 2024-08-13. Review status: criteria provided, single submitter. Criteria: Myriad Autosomal Dominant, Autosomal Recessive and X-Linked Classification Criteria (2023). Collection method: clinical testing. Allele origin: unknown.
Comment: This variant is considered likely benign. This variant has been observed at a population frequency that is significantly greater than expected given the associated disease prevalence and penetrance.

Fulgent Genetics
Classification: Likely benign for Hirschsprung disease, susceptibility to, 1; Familial medullary thyroid carcinoma; Multiple endocrine neoplasia type 2B; Pheochromocytoma; Multiple endocrine neoplasia type 2A. Last evaluated: 2024-02-28. Review status: criteria provided, single submitter. Criteria: ACMG Guidelines, 2015. Collection method: clinical testing. Allele origin: germline.

Color Diagnostics, LLC DBA Color Health
Classification: Uncertain significance for Multiple endocrine neoplasia, type 2. Last evaluated: 2024-02-22. Review status: criteria provided, single submitter. Criteria: ACMG Guidelines, 2015. Collection method: clinical testing. Allele origin: germline.
Comment: This missense variant replaces proline with leucine at codon 841 of the RET protein. Computational prediction suggests that this variant may have deleterious impact on protein structure and function. To our knowledge, functional studies have not been reported for this variant. This variant has been reported in at least 5 unrelated individuals affected with multiple endocrine neoplasia type 2 (PMID: 25637381). This variant has also been reported in an individual affected with pheochromocytoma (PMID: 24134185), an individual affected with Hirschsprung's Disease (PMID: 22648184), and in healthy controls (PMID: 24055113). This variant has been identified in 20/281868 chromosomes in the general population by the Genome Aggregation Database (gnomAD). The available evidence is insufficient to determine the role of this variant in disease conclusively. Therefore, this variant is classified as a Variant of Uncertain Significance.

Ambry Genetics
Classification: Benign for Hereditary cancer-predisposing syndrome. Last evaluated: 2021-11-04. Review status: criteria provided, single submitter. Criteria: Ambry Variant Classification Scheme 2023. Collection method: clinical testing. Allele origin: germline.

St. Jude Molecular Pathology, St. Jude Children's Research Hospital
Classification: Uncertain significance for Multiple endocrine neoplasia, type 2. Last evaluated: 2021-07-29. Review status: criteria provided, single submitter. Criteria: St. Jude Assertion Criteria 2020. Collection method: clinical testing. Allele origin: germline.
Comment: The RET c.2522C>T (p.Pro841Leu) missense change has a maximum subpopulation frequency of 0.060% in gnomAD v2.1.1. This is higher than the reported incidence of multiple endocrine neoplasia type 2 (BS1). Six of seven in silico tools predict a deleterious effect of this variant on protein function (PP3), but to our knowledge these predictions have not been confirmed by functional assays. This variant has been reported in individuals with clinical features of multiple endocrine neoplasia type 2 or Hirschsprung's disease (PS4_supporting; PMID: 22648184, 24134185, 26071011). In summary, this variant meets criteria to be classified as of uncertain significance based on the ACMG/AMP criteria: BS1, PS4_supporting, PP3.

Genetic Services Laboratory, University of Chicago
Classification: Uncertain significance. Last evaluated: 2019-07-14. Review status: criteria provided, single submitter. Criteria: ACMG Guidelines, 2015. Collection method: clinical testing. Allele origin: germline. Affected: no.

Gharavi Laboratory, Columbia University
Classification: Uncertain significance. Last evaluated: 2018-09-16. Review status: criteria provided, single submitter. Criteria: ACMG Guidelines, 2015. Collection method: research. Allele origin: germline. Affected: no.

Counsyl
Classification: Uncertain significance for Multiple endocrine neoplasia type 2A. Last evaluated: 2017-03-30. Review status: no assertion criteria provided. Collection method: clinical testing. Allele origin: unknown. Not counted in ClinVar's aggregate classification.

CSER _CC_NCGL, University of Washington
Classification: Uncertain significance for Hirschsprung disease. Last evaluated: 2014-06-01. Review status: no assertion criteria provided. Collection method: research. Allele origin: germline. Inheritance: Autosomal dominant inheritance. Study: ESP 6500 variant annotation. Not counted in ClinVar's aggregate classification.
Comment: Variants classified for the Actionable exomic incidental findings in 6503 participants: challenges of variant classification manuscript

Literature cited by the submitters: PubMed 22648184 (cited by 4 submitters); PubMed 24134185 (cited by 3 submitters); PubMed 26071011 (cited by Labcorp Genetics (formerly Invitae), Labcorp); PubMed 24055113 (cited by 3 submitters); PubMed 25637381 (cited by 3 submitters); PubMed 12566528 (cited by Ambry Genetics and Counsyl); PubMed 20456320 (cited by Ambry Genetics); PubMed 21479187 (cited by Ambry Genetics and Counsyl); PubMed 22837065 (cited by Ambry Genetics and Counsyl); PubMed 29338689 (cited by Ambry Genetics).

NM_020975.6(RET):c.2522C>T (p.Pro841Leu)

Gene: RET (ret proto-oncogene; plus strand). Cytogenetic location: 10q11.21.
Variant type: single nucleotide variant.
Coding change: c.2522C>T on transcript NM_020975.6 (MANE Select); coding-DNA position 2522, C replaced by T.
Protein change: p.Pro841Leu; replaces proline 841 with leucine.
Molecular consequence: missense variant.
Genome position (GRCh38, 1-based): chr10:43,119,660, C>T. VCF-style: chr10-43119660-C-T. GRCh37 (hg19) VCF-style: chr10-43615108-C-T.
Other names: c.2522C>T, p.Pro841Leu (NM_000323.2, NM_001406743.1, NM_001406744.1 and 4 more transcripts); c.1760C>T, p.Pro587Leu (NM_001355216.2); c.2393C>T, p.Pro798Leu (NM_001406761.1, NM_001406762.1, NM_001406764.1); c.2387C>T, p.Pro796Leu (NM_001406763.1, NM_001406765.1); c.2234C>T, p.Pro745Leu (NM_001406766.1, NM_001406767.1, NM_001406770.1); c.1796C>T, p.Pro599Leu (NM_001406778.1, NM_001406775.1, NM_001406776.1 and 1 more transcripts); c.1625C>T, p.Pro542Leu (NM_001406779.1, NM_001406780.1, NM_001406781.1 and 1 more transcripts); c.1496C>T, p.Pro499Leu (NM_001406783.1, NM_001406786.1); and 10 more; short protein forms P587L, P499L, P502L, P745L, P798L, P358L, P497L, P511L.
Identifiers: ClinVar variation 24947 (VCV000024947.34), dbSNP rs149891333, ClinGen allele CA008837.